The following is an entry in ClinVar:

ClinVar aggregate classification (germline): Benign/Likely benign. Review status: criteria provided, multiple submitters, no conflicts (2 of 4 stars). 9 submissions from 8 submitters: Benign (8); Likely benign (1). Last evaluated 2026-02-03.

Conditions:
Fibromuscular dysplasia, multifocal. Identifiers: MedGen C5543412, MONDO:0859151, OMIM 619329.
Ehlers-Danlos syndrome, classic type (cEDS). Identifiers: Orphanet 287, MedGen C4225429, MONDO:0007522.
Ehlers-Danlos syndrome, classic type, 1 (EDSCL1). Also called: Ehlers-Danlos syndrome, type 1; Ehlers-Danlos Syndrome, Classic Type, COL5A1-Related; EDS I; EHLERS-DANLOS SYNDROME, GRAVIS TYPE; EHLERS-DANLOS SYNDROME, SEVERE CLASSIC TYPE. Identifiers: MedGen C0268335, MONDO:0019567, OMIM 130000.

Allele frequency attached by ClinVar (database versions not stated): gnomAD 0.00514 and 0.00543; gnomAD exomes 0.00288 and 0.00227; 1000 Genomes Project 30x 0.00422; ESP Exome Variant Server 0.00483; 1000 Genomes Project 0.00439; ExAC 0.00427; TOPMed 0.00650.
gnomAD v4.1: 4,271 of 1,600,364 alleles (0.27%); highest among the groups gnomAD compares: Middle Eastern, 1.3%; 16 homozygotes.

Submissions (9):

Labcorp Genetics (formerly Invitae), Labcorp
Classification: Benign for Ehlers-Danlos syndrome, classic type, 1. Last evaluated: 2026-02-03. Review status: criteria provided, single submitter. Criteria: Invitae Variant Classification Sherloc (09022015). Collection method: clinical testing. Allele origin: germline.

ARUP Laboratories, Molecular Genetics and Genomics, ARUP Laboratories
Classification: Benign. Last evaluated: 2025-06-18. Review status: criteria provided, single submitter. Criteria: ARUP Molecular Germline Variant Investigation Process 2024. Collection method: clinical testing. Allele origin: germline.

Women's Health and Genetics/Laboratory Corporation of America, LabCorp
Classification: Benign. Last evaluated: 2023-07-21. Review status: criteria provided, single submitter. Criteria: LabCorp Variant Classification Summary - May 2015. Collection method: clinical testing. Allele origin: germline.

Genome-Nilou Lab
Classification: Benign for Ehlers-Danlos syndrome, classic type, 1. Last evaluated: 2022-03-15. Review status: criteria provided, single submitter. Criteria: ACMG Guidelines, 2015. Collection method: clinical testing. Allele origin: germline. Affected: no.

Genome-Nilou Lab
Classification: Benign for Fibromuscular dysplasia, multifocal. Last evaluated: 2022-03-15. Review status: criteria provided, single submitter. Criteria: ACMG Guidelines, 2015. Collection method: clinical testing. Allele origin: germline. Affected: no.

Illumina Laboratory Services, Illumina
Classification: Benign for Ehlers-Danlos syndrome, classic type, 1. Last evaluated: 2018-01-13. Review status: criteria provided, single submitter. Criteria: ICSL Variant Classification Criteria 13 December 2019. Collection method: clinical testing. Allele origin: germline.
Comment: This variant was observed in the ICSL laboratory as part of a predisposition screen in an ostensibly healthy population. It had not been previously curated by ICSL or reported in the Human Gene Mutation Database (HGMD: prior to June 1st, 2018), and was therefore a candidate for classification through an automated scoring system. Utilizing variant allele frequency, disease prevalence and penetrance estimates, and inheritance mode, an automated score was calculated to assess if this variant is too frequent to cause the disease. Based on the score and internal cut-off values, a variant classified as benign is not then subjected to further curation. The score for this variant resulted in a classification of benign for this disease.

GeneDx
Classification: Benign. Last evaluated: 2013-10-21. Review status: criteria provided, single submitter. Criteria: GeneDx Variant Classification (06012015). Collection method: clinical testing. Allele origin: germline. Affected: yes.
Comment: This variant is considered likely benign or benign based on one or more of the following criteria: it is a conservative change, it occurs at a poorly conserved position in the protein, it is predicted to be benign by multiple in silico algorithms, and/or has population frequency not consistent with disease.

Breakthrough Genomics
Classification: Likely benign. Review status: criteria provided, single submitter. Criteria: ACMG Guidelines, 2015. Collection method: not provided. Allele origin: germline. Inheritance: Autosomal dominant inheritance. Affected: yes.

PreventionGenetics, part of Exact Sciences
Classification: Benign. Review status: criteria provided, single submitter. Criteria: ACMG Guidelines, 2015. Collection method: clinical testing. Allele origin: germline.

NM_000093.5(COL5A1):c.4231-12G>A

Gene: COL5A1 (collagen type V alpha 1 chain; plus strand). Cytogenetic location: 9q34.3.
Variant type: single nucleotide variant.
Coding change: c.4231-12G>A on transcript NM_000093.5 (MANE Select); 12 bases into the intron before coding-DNA position 4231, G replaced by A.
Molecular consequence: intron variant.
Genome position (GRCh38, 1-based): chr9:134,818,644, G>A. VCF-style: chr9-134818644-G-A. GRCh37 (hg19) VCF-style: chr9-137710490-G-A.
Other names: c.4231-12G>A (NM_001278074.1).
Identifiers: ClinVar variation 136894 (VCV000136894.28), dbSNP rs188473199, ClinGen allele CA290281.